The following is an entry in ClinVar:

NM_001277115.2(DNAH11):c.2795A>T (p.Lys932Met)

Gene: DNAH11 (dynein axonemal heavy chain 11; plus strand). Cytogenetic location: 7p15.3.
Variant type: single nucleotide variant.
Coding change: c.2795A>T on transcript NM_001277115.2 (MANE Select); coding-DNA position 2795, A replaced by T.
Protein change: p.Lys932Met; replaces lysine 932 with methionine.
Molecular consequence: missense variant.
Genome position (GRCh38, 1-based): chr7:21,599,914, A>T. VCF-style: chr7-21599914-A-T. GRCh37 (hg19) VCF-style: chr7-21639532-A-T.
Other names: c.2795A>T, p.Lys932Met (NM_003777.3); short protein forms K932M.
Identifiers: ClinVar variation 1796085 (VCV001796085.2), dbSNP rs997071145, ClinGen allele CA155087083.

ClinVar aggregate classification (germline): Uncertain significance (1 of 4 stars; one submission).

Conditions:
Primary ciliary dyskinesia. Also called: Ciliary dyskinesia. Identifiers: Orphanet 244, MedGen C0008780, MONDO:0016575, HP:0012265.

Allele frequency attached by ClinVar (database versions not stated): TOPMed below 0.00001.

Submission:

Ambry Genetics
Classification: Uncertain significance for Primary ciliary dyskinesia. Last evaluated: 2014-12-26. Review status: criteria provided, single submitter. Criteria: Ambry Variant Classification Scheme 2023. Collection method: clinical testing. Allele origin: germline.
Comment: The p.K932M variant (also known as c.2795A>T), located in coding exon 15 of the DNAH11 gene, results from an A to T substitution at nucleotide position 2795. The lysine at codon 932 is replaced by methionine, an amino acid with some similar properties. This variant was not reported in population based cohorts in the following databases: Database of Single Nucleotide Polymorphisms (dbSNP), NHLBI Exome Sequencing Project (ESP), and 1000 Genomes Project. In the ESP, this variant was not observed in 5916 samples (11832 alleles) with coverage at this position. This amino acid position is poorly conserved in available vertebrate species. In addition, this alteration is predicted to be tolerated by in silico analysis. Since supporting evidence is limited at this time, the clinical significance of this variant remains unclear.